The following is an entry in ClinVar:

ClinVar aggregate classification (germline): Pathogenic (1 of 4 stars; one submission).

Conditions:
TH-deficient dopa-responsive dystonia. Also called: Segawa syndrome, autosomal recessive; Tyrosine Hydroxylase-Deficient Dopa-Responsive Dystonia; DYT-TH. Identifiers: Orphanet 101150, MedGen C2673535, MONDO:0011551, OMIM 605407.

Submission:

Myriad Genetics, Inc.
Classification: Pathogenic for TH-deficient dopa-responsive dystonia. Last evaluated: 2023-08-06. Review status: criteria provided, single submitter. Criteria: Myriad Autosomal Dominant, Autosomal Recessive and X-Linked Classification Criteria (2023). Collection method: clinical testing. Allele origin: unknown.
Comment: NM_199292.2(TH):c.842_843ins19(E281Dfs*82) is expected to be pathogenic in the context of tyrosine hydroxylase deficiency. This variant is predicted to lead to an abnormal or absent protein product due to the creation of a premature termination codon in TH, a gene where loss-of-function variants are known to be pathogenic. Please note: this variant was assessed in the context of healthy population screening.

NM_000360.4(TH):c.749_750insCTGTCTCTTATACACATCT (p.Glu250fs)

Gene: TH (tyrosine hydroxylase; minus strand). Cytogenetic location: 11p15.5.
Variant type: Insertion.
Coding change: c.749_750insCTGTCTCTTATACACATCT on transcript NM_000360.4 (MANE Select); coding-DNA positions 749 to 750, CTGTCTCTTATACACATCT inserted.
Protein change: p.Glu250fs; shifts the reading frame from glutamic acid 250.
Molecular consequence: frameshift variant. On other transcripts: intron variant (2).
Genome position: GRCh38 VCF-style: chr11-2166978-C-CAGATGTGTATAAGAGACAG. GRCh37 (hg19) VCF-style: chr11-2188208-C-CAGATGTGTATAAGAGACAG.
Other names: c.761_762insCTGTCTCTTATACACATCT, p.Glu254fs (NM_001440535.1); c.842_843insCTGTCTCTTATACACATCT, p.Glu281fs (NM_199292.3); c.830_831insCTGTCTCTTATACACATCT, p.Glu277fs (NM_199293.3); c.696-430_696-429insCTGTCTCTTATACACATCT (NM_001440537.1); c.708-430_708-429insCTGTCTCTTATACACATCT (NM_001440536.1); short protein forms E250fs, E254fs, E277fs, E281fs.
Identifiers: ClinVar variation 5011244 (VCV005011244.1).